The following is an entry in ClinVar:

NM_057176.3(BSND):c.580T>G (p.Leu194Val)

Gene: BSND (barttin CLCNK type accessory subunit beta; plus strand). Cytogenetic location: 1p32.3.
Variant type: single nucleotide variant.
Coding change: c.580T>G on transcript NM_057176.3 (MANE Select); coding-DNA position 580, T replaced by G.
Protein change: p.Leu194Val; replaces leucine 194 with valine.
Molecular consequence: missense variant.
Genome position (GRCh38, 1-based): chr1:55,008,245, T>G. VCF-style: chr1-55008245-T-G. GRCh37 (hg19) VCF-style: chr1-55473918-T-G.
Other names: short protein forms L194V.
Identifiers: ClinVar variation 2808374 (VCV002808374.3), dbSNP rs776770864, ClinGen allele CA871377.

ClinVar aggregate classification (germline): Uncertain significance (1 of 4 stars; one submission).

Allele frequency attached by ClinVar (database versions not stated): gnomAD exomes below 0.00001; ExAC 0.00001.

Submission:

Labcorp Genetics (formerly Invitae), Labcorp
Classification: Uncertain significance. Last evaluated: 2025-08-15. Review status: criteria provided, single submitter. Criteria: Invitae Variant Classification Sherloc (09022015). Collection method: clinical testing. Allele origin: germline.
Comment: This sequence change replaces leucine, which is neutral and non-polar, with valine, which is neutral and non-polar, at codon 194 of the BSND protein (p.Leu194Val). This variant is present in population databases (rs776770864, gnomAD 0.003%). This variant has not been reported in the literature in individuals affected with BSND-related conditions. ClinVar contains an entry for this variant (Variation ID: 2808374). Invitae Evidence Modeling of protein sequence and biophysical properties (such as structural, functional, and spatial information, amino acid conservation, physicochemical variation, residue mobility, and thermodynamic stability) indicates that this missense variant is expected to disrupt BSND protein function with a positive predictive value of 80%. In summary, the available evidence is currently insufficient to determine the role of this variant in disease. Therefore, it has been classified as a Variant of Uncertain Significance.